The following is an entry in ClinVar:

NM_006009.4(TUBA1A):c.235C>T (p.Arg79Cys)

Gene: TUBA1A (tubulin alpha 1a; minus strand). Cytogenetic location: 12q13.12.
Variant type: single nucleotide variant.
Coding change: c.235C>T on transcript NM_006009.4 (MANE Select); coding-DNA position 235, C replaced by T.
Protein change: p.Arg79Cys; replaces arginine 79 with cysteine.
Molecular consequence: missense variant.
Genome position (GRCh38, 1-based): chr12:49,186,450, G>A on the plus strand (C>T on the coding strand, the complement: TUBA1A is on the minus strand). VCF-style: chr12-49186450-G-A. GRCh37 (hg19) VCF-style: chr12-49580233-G-A.
Other names: c.235C>T, p.Arg79Cys (NM_001270399.2); c.130C>T, p.Arg44Cys (NM_001270400.2); short protein forms R79C, R44C.
Identifiers: ClinVar variation 431845 (VCV000431845.3), dbSNP rs1555162507, ClinGen allele CA384643745.

ClinVar aggregate classification (germline): Pathogenic/Likely pathogenic. Review status: criteria provided, multiple submitters, no conflicts (2 of 4 stars). 2 submissions from 2 submitters: Pathogenic (1); Likely pathogenic (1). Last evaluated 2025-01-30.

Conditions:
Lissencephaly type 3. Identifiers: Orphanet 102011, MedGen C1969029, MONDO:0015148.

Submissions (2):

GeneDx
Classification: Pathogenic. Last evaluated: 2025-01-30. Review status: criteria provided, single submitter. Criteria: GeneDx Variant Classification Process June 2021. Collection method: clinical testing. Allele origin: germline. Affected: yes.
Comment: Not observed at significant frequency in large population cohorts (gnomAD); Missense variants in this gene are a common cause of disease and they are underrepresented in the general population; In silico analysis supports that this missense variant has a deleterious effect on protein structure/function; This variant is associated with the following publications: (PMID: 24155014, 36658419)

Institute of Human Genetics, FAU Erlangen, Friedrich-Alexander-Universität Erlangen-Nürnberg
Classification: Likely pathogenic for Lissencephaly type 3. Last evaluated: 2023-12-27. Review status: criteria provided, single submitter. Criteria: Hauer et al. (Genet Med. 2018). Collection method: clinical testing. Allele origin: germline. Inheritance: Autosomal dominant inheritance. Affected: yes. Observed: 1 variant allele.
Comment: This variant has been identified by standard clinical testing. Selected ACMG criteria: Likely pathogenic (II):PP3;PP2;PM2;PS2